The following is an entry in ClinVar:

ClinVar aggregate classification (germline): Benign/Likely benign. Review status: criteria provided, multiple submitters, no conflicts (2 of 4 stars). 6 submissions from 6 submitters: Benign (3); Likely benign (2). 1 of the submissions does not count toward it. Last evaluated 2026-01-09.

Conditions:
ACVR1-related disorder. Also called: ACVR1-related condition.
Progressive myositis ossificans (FOP). Also called: Progressive ossifying myositis; Fibrodysplasia Ossificans Progressiva; Myositis ossificans progressiva. Identifiers: Orphanet 337, MedGen C0016037, MONDO:0007606, OMIM 135100.

Allele frequency attached by ClinVar (database versions not stated): 1000 Genomes Project 30x 0.00047; TOPMed 0.00047; 1000 Genomes Project 0.00060; ESP Exome Variant Server 0.00069; gnomAD 0.00207 and 0.00218; ExAC 0.00220; gnomAD exomes 0.00225.
gnomAD v4.1: 1,950 of 1,614,022 alleles (0.12%); highest among the groups gnomAD compares: Non-Finnish European, 0.059%; 11 homozygotes.

Submissions (6):

Labcorp Genetics (formerly Invitae), Labcorp
Classification: Benign. Last evaluated: 2026-01-09. Review status: criteria provided, single submitter. Criteria: Invitae Variant Classification Sherloc (09022015). Collection method: clinical testing. Allele origin: germline.

CeGaT Center for Human Genetics Tuebingen
Classification: Likely benign. Last evaluated: 2025-05-01. Review status: criteria provided, single submitter. Criteria: CeGaT Center For Human Genetics Tuebingen Variant Classification Criteria Version 2. Collection method: clinical testing. Allele origin: germline. Affected: yes. Observed: 1 variant allele.
Comment: ACVR1: BP4, BP7

Blueprint Genetics
Classification: Likely benign. Last evaluated: 2024-11-19. Review status: criteria provided, single submitter. Criteria: ACMG Guidelines, 2015. Collection method: clinical testing. Allele origin: germline.

Genome-Nilou Lab
Classification: Benign for Progressive myositis ossificans. Last evaluated: 2021-12-05. Review status: criteria provided, single submitter. Criteria: ACMG Guidelines, 2015. Collection method: clinical testing. Allele origin: germline. Affected: no.

Illumina Laboratory Services, Illumina
Classification: Benign for Progressive myositis ossificans. Last evaluated: 2018-01-12. Review status: criteria provided, single submitter. Criteria: ICSL Variant Classification Criteria 13 December 2019. Collection method: clinical testing. Allele origin: germline.
Comment: This variant was observed in the ICSL laboratory as part of a predisposition screen in an ostensibly healthy population. It had not been previously curated by ICSL or reported in the Human Gene Mutation Database (HGMD: prior to June 1st, 2018), and was therefore a candidate for classification through an automated scoring system. Utilizing variant allele frequency, disease prevalence and penetrance estimates, and inheritance mode, an automated score was calculated to assess if this variant is too frequent to cause the disease. Based on the score and internal cut-off values, a variant classified as benign is not then subjected to further curation. The score for this variant resulted in a classification of benign for this disease.

PreventionGenetics, part of Exact Sciences
Classification: Likely benign for ACVR1-related condition. Last evaluated: 2024-07-31. Review status: no assertion criteria provided. Collection method: clinical testing. Allele origin: germline. Not counted in ClinVar's aggregate classification.
Comment: This variant is classified as likely benign based on ACMG/AMP sequence variant interpretation guidelines (Richards et al. 2015 PMID: 25741868, with internal and published modifications).

NM_001111067.4(ACVR1):c.1506C>T (p.Leu502=)

Gene: ACVR1 (activin A receptor type 1; minus strand). Cytogenetic location: 2q24.1.
Variant type: single nucleotide variant.
Coding change: c.1506C>T on transcript NM_001111067.4 (MANE Select); coding-DNA position 1506, C replaced by T.
Protein change: p.Leu502=; no amino-acid change (leucine 502 retained).
Molecular consequence: synonymous variant.
Genome position (GRCh38, 1-based): chr2:157,737,555, G>A on the plus strand (C>T on the coding strand, the complement: ACVR1 is on the minus strand). VCF-style: chr2-157737555-G-A. GRCh37 (hg19) VCF-style: chr2-158594067-G-A.
Other names: c.1506C>T, p.Leu502= (NM_001105.5, NM_001347663.1, NM_001347664.1 and 3 more transcripts).
Identifiers: ClinVar variation 331689 (VCV000331689.26), dbSNP rs55788041, ClinGen allele CA1918933.